The following is an entry in ClinVar:

ClinVar aggregate classification (germline): Uncertain significance (1 of 4 stars; one submission).

Allele frequency attached by ClinVar (database versions not stated): TOPMed below 0.00001; gnomAD 0.00001.

Submission:

Labcorp Genetics (formerly Invitae), Labcorp
Classification: Uncertain significance. Last evaluated: 2022-11-01. Review status: criteria provided, single submitter. Criteria: Invitae Variant Classification Sherloc (09022015). Collection method: clinical testing. Allele origin: germline.
Comment: This sequence change replaces leucine, which is neutral and non-polar, with phenylalanine, which is neutral and non-polar, at codon 1776 of the PCDH15 protein (p.Leu1776Phe). This variant is present in population databases (rs781748544, gnomAD 0.01%). This variant has not been reported in the literature in individuals affected with PCDH15-related conditions. Algorithms developed to predict the effect of missense changes on protein structure and function output the following: SIFT: "Tolerated"; PolyPhen-2: "Not Available"; Align-GVGD: "Class C0". The phenylalanine amino acid residue is found in multiple mammalian species, which suggests that this missense change does not adversely affect protein function. In summary, the available evidence is currently insufficient to determine the role of this variant in disease. Therefore, it has been classified as a Variant of Uncertain Significance.

NM_033056.4(PCDH15):c.5326C>T (p.Leu1776Phe)

Gene: PCDH15 (protocadherin related 15; minus strand). Cytogenetic location: 10q21.1.
Variant type: single nucleotide variant.
Coding change: c.5326C>T on transcript NM_033056.4 (MANE Plus Clinical); coding-DNA position 5326, C replaced by T.
Protein change: p.Leu1776Phe; replaces leucine 1776 with phenylalanine.
Molecular consequence: missense variant. On other transcripts: intron variant (8).
Genome position (GRCh38, 1-based): chr10:53,822,400, G>A on the plus strand (C>T on the coding strand, the complement: PCDH15 is on the minus strand). VCF-style: chr10-53822400-G-A. GRCh37 (hg19) VCF-style: chr10-55582160-G-A.
Other names: c.5347C>T, p.Leu1783Phe (NM_001142763.2); c.5332C>T, p.Leu1778Phe (NM_001142764.2); c.5119C>T, p.Leu1707Phe (NM_001142765.2); c.5317C>T, p.Leu1773Phe (NM_001142766.2); c.5206C>T, p.Leu1736Phe (NM_001142767.2); c.5266C>T, p.Leu1756Phe (NM_001142768.2); c.5257C>T, p.Leu1753Phe (NM_001142773.2); c.5260C>T, p.Leu1754Phe (NM_001354404.2); and 7 more; short protein forms L1707F, L1736F, L1754F, L1773F, L1778F, L1756F, L1776F, L1753F.
Identifiers: ClinVar variation 2141699 (VCV002141699.1), dbSNP rs781748544, ClinGen allele CA5505067.